The following is an entry in ClinVar:

ClinVar aggregate classification (germline): Uncertain significance (1 of 4 stars; one submission).

Conditions:
Dilated cardiomyopathy 1G (CMD1G). Identifiers: Orphanet 154, MedGen C1858763, MONDO:0011400, OMIM 604145.
Autosomal recessive limb-girdle muscular dystrophy type 2J (LGMDR10). Also called: MUSCULAR DYSTROPHY, LIMB-GIRDLE, AUTOSOMAL RECESSIVE 10; Limb-girdle muscular dystrophy, type 2J. Identifiers: Orphanet 140922, MedGen C1837342, MONDO:0012127, OMIM 608807.

Allele frequency attached by ClinVar (database versions not stated): gnomAD exomes below 0.00001.
gnomAD v4.1: 1 of 1,613,986 alleles (0.000062%); highest among the groups gnomAD compares: Non-Finnish European, 0.000085%; no homozygotes.

Submission:

Labcorp Genetics (formerly Invitae), Labcorp
Classification: Uncertain significance for Dilated cardiomyopathy 1G; Autosomal recessive limb-girdle muscular dystrophy type 2J. Last evaluated: 2024-08-22. Review status: criteria provided, single submitter. Criteria: Invitae Variant Classification Sherloc (09022015). Collection method: clinical testing. Allele origin: germline.
Comment: This sequence change replaces proline, which is neutral and non-polar, with serine, which is neutral and polar, at codon 34954 of the TTN protein (p.Pro34954Ser). This variant is not present in population databases (gnomAD no frequency). This variant has not been reported in the literature in individuals affected with TTN-related conditions. ClinVar contains an entry for this variant (Variation ID: 2181465). Experimental studies and prediction algorithms are not available or were not evaluated, and the functional significance of this variant is currently unknown. This variant is located in the M band of TTN (PMID: 25589632). Non-truncating variants in this region may be relevant for neuromuscular disorders, but have not been definitively shown to cause cardiomyopathy (PMID: 23975875). In summary, the available evidence is currently insufficient to determine the role of this variant in disease. Therefore, it has been classified as a Variant of Uncertain Significance.

Literature cited by the submitters: PubMed 25589632; PubMed 23975875.

NM_001267550.2(TTN):c.104860C>T (p.Pro34954Ser)

Genes: TTN (titin; minus strand), TTN-AS1 (TTN antisense RNA 1; plus strand). Cytogenetic location: 2q31.2.
Variant type: single nucleotide variant.
Coding change: c.104860C>T on transcript NM_001267550.2 (MANE Select); coding-DNA position 104860, C replaced by T.
Protein change: p.Pro34954Ser; replaces proline 34954 with serine.
Molecular consequence: missense variant.
Genome position (GRCh38, 1-based): chr2:178,531,755, G>A on the plus strand (C>T on the coding strand, the complement: TTN is on the minus strand). VCF-style: chr2-178531755-G-A. GRCh37 (hg19) VCF-style: chr2-179396482-G-A.
Other names: c.99937C>T, p.Pro33313Ser (NM_001256850.1); c.77665C>T, p.Pro25889Ser (NM_003319.4); c.97156C>T, p.Pro32386Ser (NM_133378.4); c.78040C>T, p.Pro26014Ser (NM_133432.3); c.78241C>T, p.Pro26081Ser (NM_133437.4); short protein forms P34954S, P33313S, P25889S, P26014S, P26081S, P32386S.
Identifiers: ClinVar variation 2181465 (VCV002181465.4), dbSNP rs1559002618, ClinGen allele CA349410702.
Genomic context (GRCh38, chr2:178,531,755, plus strand): 5'-TAACCTCGGCAGTTGGCTTAGACTGAACATTTAAAATAAAACGTGTATTTTGGCCACATG[G>A]TACCCTGTGCGAGCGCATTCTCAGTGTGATTCGAGGGGCATGGTCCAGTGTGAAAGGCTG-3'
Protein context (NP_001254479.2, residues 34944-34964): ITLRMRSHRV[Pro34954Ser]CGQNTRFILN